The following is an entry in ClinVar:

ClinVar aggregate classification (germline): Conflicting classifications of pathogenicity. Review status: criteria provided, conflicting classifications (1 of 4 stars). 2 submissions from 2 submitters: Uncertain significance (1); Likely benign (1). Last evaluated 2025-01-02.

Conditions:
Fanconi anemia complementation group J. Also called: BRIP1-Related Fanconi Anemia. Identifiers: Orphanet 84, MedGen C1836860, MONDO:0012187, OMIM 609054.
Familial cancer of breast. Also called: BREAST CANCER, FAMILIAL; Hereditary breast cancer; hereditary breast carcinoma. Identifiers: Orphanet 227535, MedGen C0346153, MONDO:0016419, OMIM 114480. Disease mechanism: loss of function.
Hereditary cancer-predisposing syndrome. Also called: Neoplastic Syndromes, Hereditary; Hereditary Cancer Syndrome; Tumor predisposition; Hereditary neoplastic syndrome. Identifiers: Orphanet 140162, MedGen C0027672, MeSH D009386, MONDO:0015356.

Allele frequency attached by ClinVar (database versions not stated): gnomAD exomes below 0.00001.
gnomAD v4.1: 1 of 1,614,182 alleles (0.000062%); highest among the groups gnomAD compares: East Asian, 0.0022%; no homozygotes.

Submissions (2):

Ambry Genetics
Classification: Likely benign for Hereditary cancer-predisposing syndrome. Last evaluated: 2025-01-02. Review status: criteria provided, single submitter. Criteria: Ambry Variant Classification Scheme 2023. Collection method: clinical testing. Allele origin: germline.

Labcorp Genetics (formerly Invitae), Labcorp
Classification: Uncertain significance for Familial cancer of breast; Fanconi anemia complementation group J. Last evaluated: 2021-03-16. Review status: criteria provided, single submitter. Criteria: Invitae Variant Classification Sherloc (09022015). Collection method: clinical testing. Allele origin: germline.
Comment: This variant is not present in population databases (ExAC no frequency). This variant has not been reported in the literature in individuals with BRIP1-related conditions. Algorithms developed to predict the effect of missense changes on protein structure and function output the following: SIFT: "Tolerated"; PolyPhen-2: "Benign"; Align-GVGD: "Class C0". The threonine amino acid residue is found in multiple mammalian species, suggesting that this missense change does not adversely affect protein function. These predictions have not been confirmed by published functional studies and their clinical significance is uncertain. In summary, the available evidence is currently insufficient to determine the role of this variant in disease. Therefore, it has been classified as a Variant of Uncertain Significance. This sequence change replaces isoleucine with threonine at codon 1074 of the BRIP1 protein (p.Ile1074Thr). The isoleucine residue is weakly conserved and there is a moderate physicochemical difference between isoleucine and threonine.

NM_032043.3(BRIP1):c.3221T>C (p.Ile1074Thr)

Gene: BRIP1 (BRCA1 interacting DNA helicase 1; minus strand). Cytogenetic location: 17q23.2.
Variant type: single nucleotide variant.
Coding change: c.3221T>C on transcript NM_032043.3 (MANE Select); coding-DNA position 3221, T replaced by C.
Protein change: p.Ile1074Thr; replaces isoleucine 1074 with threonine.
Molecular consequence: missense variant.
Genome position (GRCh38, 1-based): chr17:61,683,825, A>G on the plus strand (T>C on the coding strand, the complement: BRIP1 is on the minus strand). VCF-style: chr17-61683825-A-G. GRCh37 (hg19) VCF-style: chr17-59761186-A-G.
Other names: c.3221T>C (NM_032043.2); short protein forms I1074T.
Identifiers: ClinVar variation 1440286 (VCV001440286.10), dbSNP rs1219988835, ClinGen allele CA400479255.